The following is an entry in ClinVar:

NM_024721.5(ZFHX4):c.3394+7G>C

Gene: ZFHX4 (zinc finger homeobox 4; plus strand). Cytogenetic location: 8q21.13.
Variant type: single nucleotide variant.
Coding change: c.3394+7G>C on transcript NM_024721.5 (MANE Select); 7 bases into the intron after coding-DNA position 3394, G replaced by C.
Molecular consequence: intron variant.
Genome position (GRCh38, 1-based): chr8:76,833,413, G>C. VCF-style: chr8-76833413-G-C. GRCh37 (hg19) VCF-style: chr8-77745649-G-C.
Other names: c.3316+7G>C (NM_001410934.1).
Identifiers: ClinVar variation 4280874 (VCV004280874.7).

ClinVar aggregate classification (germline): Likely benign (1 of 4 stars; one submission).

gnomAD v4.1: 347 of 1,598,148 alleles (0.022%); highest among the groups gnomAD compares: Admixed American, 0.045%; 1 homozygote.

Submission:

CeGaT Center for Human Genetics Tuebingen
Classification: Likely benign. Last evaluated: 2025-09-01. Review status: criteria provided, single submitter. Criteria: CeGaT Center For Human Genetics Tuebingen Variant Classification Criteria Version 2. Collection method: clinical testing. Allele origin: germline. Affected: yes. Observed: 1 variant allele.
Comment: ZFHX4: BP4